The following is an entry in ClinVar:

ClinVar aggregate classification (germline): Uncertain significance (1 of 4 stars; one submission).

gnomAD v4.1: 1 of 1,614,040 alleles (0.000062%); highest among the groups gnomAD compares: Non-Finnish European, 0.000085%; no homozygotes.

Submission:

Dasa
Classification: Uncertain significance. Last evaluated: 2025-09-04. Review status: criteria provided, single submitter. Criteria: DASA Assertion Criteria. Collection method: clinical testing. Allele origin: germline.
Comment: NM_001346246.2(RALGAPA1):c.6122T>G (p.Ile2041Ser) is a missense variant that results in the substitution of isoleucine with serine. This variant is rare in population databases. The currently available literature and clinical evidence are not sufficient to establish a definitive association between this variant and the reported condition. Therefore, this variant is classified as a variant of uncertain significance.

NM_001346249.2(RALGAPA1):c.*39T>G

Gene: RALGAPA1 (Ral GTPase activating protein catalytic subunit alpha 1; minus strand). Cytogenetic location: 14q13.2.
Variant type: single nucleotide variant.
Coding change: c.*39T>G on transcript NM_001346249.2 (MANE Select); 39 bases downstream of the stop codon, T replaced by G.
Molecular consequence: 3 prime UTR variant. On other transcripts: missense variant (3).
Genome position (GRCh38, 1-based): chr14:35,539,675, A>C on the plus strand (T>G on the coding strand, the complement: RALGAPA1 is on the minus strand). VCF-style: chr14-35539675-A-C. GRCh37 (hg19) VCF-style: chr14-36008881-A-C.
Other names: c.*39T>G (NM_001283043.3, NM_001283044.3, NM_001330075.3 and 1 more transcripts); c.*42T>G (NM_001346243.2, NM_001346245.2, NM_001346248.2); c.6122T>G, p.Ile2041Ser (NM_001346246.2); c.6263T>G, p.Ile2088Ser (NM_001346247.2); c.6119T>G, p.Ile2040Ser (NM_194301.4); short protein forms I2040S, I2041S, I2088S.
Identifiers: ClinVar variation 4885832 (VCV004885832.2).